The following is an entry in ClinVar:

ClinVar aggregate classification (germline): Uncertain significance. Review status: criteria provided, single submitter (1 of 4 stars). 2 submissions from 2 submitters: Uncertain significance (1). 1 of the submissions does not count toward it. Last evaluated 2020-06-28.

Conditions:
Autosomal recessive polycystic kidney disease (ARPKD). Also called: AR polycystic kidney disease. Identifiers: Orphanet 731, Orphanet 8378, MedGen C0085548, MeSH D017044, MONDO:0009889.

Allele frequency attached by ClinVar (database versions not stated): TOPMed below 0.00001.

Submissions (2):

Labcorp Genetics (formerly Invitae), Labcorp
Classification: Uncertain significance for Autosomal recessive polycystic kidney disease. Last evaluated: 2020-06-28. Review status: criteria provided, single submitter. Criteria: Invitae Variant Classification Sherloc (09022015). Collection method: clinical testing. Allele origin: germline.
Comment: This sequence change replaces leucine with serine at codon 3463 of the PKHD1 protein (p.Leu3463Ser). The leucine residue is moderately conserved and there is a large physicochemical difference between leucine and serine. In summary, the available evidence is currently insufficient to determine the role of this variant in disease. Therefore, it has been classified as a Variant of Uncertain Significance. Algorithms developed to predict the effect of missense changes on protein structure and function are either unavailable or do not agree on the potential impact of this missense change (SIFT: "Deleterious"; PolyPhen-2: "Possibly Damaging"; Align-GVGD: "Class C0"). This variant has not been reported in the literature in individuals with PKHD1-related conditions. This variant is not present in population databases (ExAC no frequency).

Natera, Inc.
Classification: Uncertain significance for Autosomal recessive polycystic kidney disease. Last evaluated: 2019-06-14. Review status: no assertion criteria provided. Collection method: clinical testing. Allele origin: germline. Not counted in ClinVar's aggregate classification.

NM_138694.4(PKHD1):c.10388T>C (p.Leu3463Ser)

Gene: PKHD1 (PKHD1 ciliary IPT domain containing fibrocystin/polyductin; minus strand). Cytogenetic location: 6p12.3.
Variant type: single nucleotide variant.
Coding change: c.10388T>C on transcript NM_138694.4 (MANE Select); coding-DNA position 10388, T replaced by C.
Protein change: p.Leu3463Ser; replaces leucine 3463 with serine.
Molecular consequence: missense variant.
Genome position (GRCh38, 1-based): chr6:51,659,738, A>G on the plus strand (T>C on the coding strand, the complement: PKHD1 is on the minus strand). VCF-style: chr6-51659738-A-G. GRCh37 (hg19) VCF-style: chr6-51524536-A-G.
Other names: short protein forms L3463S.
Identifiers: ClinVar variation 1011561 (VCV001011561.14), dbSNP rs1772516071, ClinGen allele CA364435905.